The following is an entry in ClinVar:

NM_173495.3(PTCHD1):c.195C>G (p.Ile65Met)

Gene: PTCHD1 (patched domain containing 1; plus strand). Cytogenetic location: Xp22.11.
Variant type: single nucleotide variant.
Coding change: c.195C>G on transcript NM_173495.3 (MANE Select); coding-DNA position 195, C replaced by G.
Protein change: p.Ile65Met; replaces isoleucine 65 with methionine.
Molecular consequence: missense variant.
Genome position (GRCh38, 1-based): chrX:23,335,070, C>G. VCF-style: chrX-23335070-C-G. GRCh37 (hg19) VCF-style: chrX-23353187-C-G.
Other names: short protein forms I65M.
Identifiers: ClinVar variation 3393897 (VCV003393897.1).

ClinVar aggregate classification (germline): Uncertain significance (1 of 4 stars; one submission).

gnomAD v4.1: 1 of 1,211,118 alleles (0.000083%); highest among the groups gnomAD compares: Admixed American, 0.0022%; no homozygotes.

Submission:

GeneDx
Classification: Uncertain significance. Last evaluated: 2024-07-05. Review status: criteria provided, single submitter. Criteria: GeneDx Variant Classification Process June 2021. Collection method: clinical testing. Allele origin: germline. Affected: yes.
Comment: In silico analysis indicates that this missense variant does not alter protein structure/function; Not observed at significant frequency in large population cohorts (gnomAD); Has not been previously published as pathogenic or benign to our knowledge